The following is an entry in ClinVar:

NM_015202.5(KATNIP):c.3584del (p.Pro1195fs)

Gene: KATNIP (katanin interacting protein; plus strand). Cytogenetic location: 16p12.1.
Variant type: Deletion.
Coding change: c.3584del on transcript NM_015202.5 (MANE Select); coding-DNA position 3584, one base deleted (C; older notation c.3584delC).
Protein change: p.Pro1195fs; shifts the reading frame from proline 1195.
Molecular consequence: frameshift variant.
Genome position (GRCh38, 1-based): chr16:27,754,204, C deleted; the last of 4 consecutive C bases (chr16:27,754,201-27,754,204); deleting any one gives the same sequence. VCF-style (leftmost placement, unchanged base first): chr16-27754200-TC-T. GRCh37 (hg19) VCF-style: chr16-27765521-TC-T.
Other names: c.3584delC (NM_015202.5); short protein forms P1195fs.
Identifiers: ClinVar variation 3895621 (VCV003895621.1).

ClinVar aggregate classification (germline): Pathogenic (1 of 4 stars; one submission).

Conditions:
Joubert syndrome 26 (JBTS26). Identifiers: Orphanet 475, MedGen C4084843, MONDO:0014771, OMIM 616784.

Submission:

Women's Health and Genetics/Laboratory Corporation of America, LabCorp
Classification: Pathogenic for Joubert syndrome 26. Last evaluated: 2025-03-17. Review status: criteria provided, single submitter. Criteria: LabCorp Variant Classification Summary - May 2015. Collection method: clinical testing. Allele origin: germline.
Comment: Variant summary: KATNIP c.3584delC (p.Pro1195LeufsX20) results in a premature termination codon, predicted to cause a truncation of the encoded protein or absence of the protein due to nonsense mediated decay, which are commonly known mechanisms for disease. The variant was absent in 251414 control chromosomes. To our knowledge, no occurrence of c.3584delC in individuals affected with Joubert Syndrome 26 and no experimental evidence demonstrating its impact on protein function have been reported. No submitters have cited clinical-significance assessments for this variant to ClinVar. Based on the evidence outlined above, the variant was classified as pathogenic.